The following is an entry in ClinVar:

ClinVar aggregate classification (germline): Uncertain significance (1 of 4 stars; one submission).

Conditions:
Rhabdoid tumor predisposition syndrome 2 (RTPS2). Identifiers: Orphanet 231108, Orphanet 69077, MedGen C2750074, MONDO:0013224, OMIM 613325.

Submission:

Labcorp Genetics (formerly Invitae), Labcorp
Classification: Uncertain significance for Rhabdoid tumor predisposition syndrome 2. Last evaluated: 2022-02-28. Review status: criteria provided, single submitter. Criteria: Invitae Variant Classification Sherloc (09022015). Collection method: clinical testing. Allele origin: germline.
Comment: In summary, the available evidence is currently insufficient to determine the role of this variant in disease. Therefore, it has been classified as a Variant of Uncertain Significance. Algorithms developed to predict the effect of missense changes on protein structure and function are either unavailable or do not agree on the potential impact of this missense change (SIFT: "Deleterious"; PolyPhen-2: "Benign"; Align-GVGD: "Class C25"). This variant has not been reported in the literature in individuals affected with SMARCA4-related conditions. This variant is not present in population databases (gnomAD no frequency). This sequence change replaces lysine, which is basic and polar, with arginine, which is basic and polar, at codon 496 of the SMARCA4 protein (p.Lys496Arg).

NM_003072.5(SMARCA4):c.1487A>G (p.Lys496Arg)

Gene: SMARCA4 (SWI/SNF related BAF chromatin remodeling complex subunit ATPase 4; plus strand). Cytogenetic location: 19p13.2.
Variant type: single nucleotide variant.
Coding change: c.1487A>G on transcript NM_003072.5 (MANE Select); coding-DNA position 1487, A replaced by G.
Protein change: p.Lys496Arg; replaces lysine 496 with arginine.
Molecular consequence: missense variant. On other transcripts: non-coding transcript variant (1).
Genome position (GRCh38, 1-based): chr19:10,994,895, A>G. VCF-style: chr19-10994895-A-G. GRCh37 (hg19) VCF-style: chr19-11105571-A-G.
Other names: c.1487A>G, p.Lys496Arg (NM_001128844.3, NM_001128845.2, NM_001128846.2 and 6 more transcripts); short protein forms K496R.
Identifiers: ClinVar variation 2104413 (VCV002104413.4), dbSNP rs2145939429, ClinGen allele CA404062094.